The following is an entry in ClinVar:

ClinVar aggregate classification (germline): Uncertain significance (1 of 4 stars; one submission).

Conditions:
Malignant hyperthermia, susceptibility to, 5 (MHS5). Also called: CACNA1S-Related Malignant Hyperthermia Susceptibility. Identifiers: Orphanet 423, MedGen C1866077, MONDO:0011163, OMIM 601887.

Submission:

Color Diagnostics, LLC DBA Color Health
Classification: Uncertain significance for Malignant hyperthermia, susceptibility to, 5. Last evaluated: 2025-09-22. Review status: criteria provided, single submitter. Criteria: ACMG Guidelines, 2015. Collection method: clinical testing. Allele origin: germline.
Comment: This missense variant replaces isoleucine with phenylalanine at codon 847 of the CACNA1S protein. Computational prediction suggests that this variant may have deleterious impact on protein structure and function. To our knowledge, functional studies have not been reported for this variant. This variant has not been reported in individuals affected with CACNA1S-related disorders in the literature. This variant has not been identified in the general population by the Genome Aggregation Database (gnomAD). The available evidence is insufficient to determine the role of this variant in disease conclusively. Therefore, this variant is classified as a Variant of Uncertain Significance.

NM_000069.3(CACNA1S):c.2539A>T (p.Ile847Phe)

Gene: CACNA1S (calcium voltage-gated channel subunit alpha1 S; minus strand). Cytogenetic location: 1q32.1.
Variant type: single nucleotide variant.
Coding change: c.2539A>T on transcript NM_000069.3 (MANE Select); coding-DNA position 2539, A replaced by T.
Protein change: p.Ile847Phe; replaces isoleucine 847 with phenylalanine.
Molecular consequence: missense variant.
Genome position (GRCh38, 1-based): chr1:201,069,148, T>A on the plus strand (A>T on the coding strand, the complement: CACNA1S is on the minus strand). VCF-style: chr1-201069148-T-A. GRCh37 (hg19) VCF-style: chr1-201038276-T-A.
Other names: short protein forms I847F.
Identifiers: ClinVar variation 4756506 (VCV004756506.1).